The following is an entry in ClinVar:

ClinVar aggregate classification (germline): Uncertain significance (1 of 4 stars; one submission).

Submission:

GeneDx
Classification: Uncertain significance. Last evaluated: 2026-02-24. Review status: criteria provided, single submitter. Criteria: GeneDx Variant Classification Process June 2021. Collection method: clinical testing. Allele origin: germline.
Comment: Not observed at significant frequency in large population cohorts (gnomAD); Frameshift variant predicted to result in abnormal protein length as the last 35 amino acid(s) are replaced with 15 different amino acid(s); Has not been previously published as pathogenic or benign to our knowledge

NM_004444.5(EPHB4):c.2856del (p.Thr953fs)

Gene: EPHB4 (EPH receptor B4; minus strand). Cytogenetic location: 7q22.1.
Variant type: Deletion.
Coding change: c.2856del on transcript NM_004444.5 (MANE Select); coding-DNA position 2856, one base deleted (C; older notation c.2856delC).
Protein change: p.Thr953fs; shifts the reading frame from threonine 953.
Molecular consequence: frameshift variant.
Genome position (GRCh38, 1-based): chr7:100,803,569, G deleted on the plus strand (C on the coding strand, the reverse complement: EPHB4 is on the minus strand). VCF-style (leftmost placement, unchanged base first): chr7-100803568-TG-T. GRCh37 (hg19) VCF-style: chr7-100401190-TG-T.
Other names: short protein forms T953fs.
Identifiers: ClinVar variation 5008847 (VCV005008847.1).